The following is an entry in ClinVar:

ClinVar aggregate classification (germline): Pathogenic (1 of 4 stars; one submission).

Conditions:
X-linked Emery-Dreifuss muscular dystrophy. Also called: Muscular dystrophy, tardive Emery-Dreifuss type, with contractures. Identifiers: Orphanet 261, Orphanet 98863, MedGen C0751337, MONDO:0010680.

Submission:

Labcorp Genetics (formerly Invitae), Labcorp
Classification: Pathogenic for X-linked Emery-Dreifuss muscular dystrophy. Last evaluated: 2022-06-08. Review status: criteria provided, single submitter. Criteria: Invitae Variant Classification Sherloc (09022015). Collection method: clinical testing. Allele origin: germline.
Comment: For these reasons, this variant has been classified as Pathogenic. This variant disrupts a region of the EMD protein in which other variant(s) (p.Leu217Profs*31) have been determined to be pathogenic (Invitae). This suggests that this is a clinically significant region of the protein, and that variants that disrupt it are likely to be disease-causing. This variant has not been reported in the literature in individuals affected with EMD-related conditions. This variant is not present in population databases (gnomAD no frequency). This sequence change creates a premature translational stop signal (p.Tyr182*) in the EMD gene. While this is not anticipated to result in nonsense mediated decay, it is expected to disrupt the last 73 amino acid(s) of the EMD protein.

NM_000117.3(EMD):c.546T>A (p.Tyr182Ter)

Gene: EMD (emerin; plus strand). Cytogenetic location: Xq28.
Variant type: single nucleotide variant.
Coding change: c.546T>A on transcript NM_000117.3 (MANE Select); coding-DNA position 546, T replaced by A.
Protein change: p.Tyr182Ter; replaces tyrosine 182 with a stop codon.
Molecular consequence: nonsense.
Genome position (GRCh38, 1-based): chrX:154,380,978, T>A. VCF-style: chrX-154380978-T-A. GRCh37 (hg19) VCF-style: chrX-153609338-T-A.
Other names: short protein forms Y182*.
Identifiers: ClinVar variation 2118778 (VCV002118778.4), dbSNP rs2522790318, ClinGen allele CA415258783.